The following is an entry in ClinVar:

ClinVar aggregate classification (germline): Conflicting classifications of pathogenicity. Review status: criteria provided, conflicting classifications (1 of 4 stars). 2 submissions from 2 submitters: Uncertain significance (1); Likely benign (1). Last evaluated 2023-04-06.

gnomAD v4.1: 98 of 1,613,968 alleles (0.0061%); highest among the groups gnomAD compares: Non-Finnish European, 0.0052%; no homozygotes.

Submissions (2):

Blueprint Genetics
Classification: Likely benign. Last evaluated: 2023-04-06. Review status: criteria provided, single submitter. Criteria: ACMG Guidelines, 2015. Collection method: clinical testing. Allele origin: germline.

Labcorp Genetics (formerly Invitae), Labcorp
Classification: Uncertain significance. Last evaluated: 2021-09-24. Review status: criteria provided, single submitter. Criteria: Invitae Variant Classification Sherloc (09022015). Collection method: clinical testing. Allele origin: germline.
Comment: This sequence change replaces arginine with histidine at codon 4 of the C6 protein (p.Arg4His). The arginine residue is weakly conserved and there is a small physicochemical difference between arginine and histidine. This variant is present in population databases (rs146127832, ExAC 0.03%). This variant has not been reported in the literature in individuals with C6-related conditions. Algorithms developed to predict the effect of missense changes on protein structure and function output the following: SIFT: "Tolerated"; PolyPhen-2: "Benign"; Align-GVGD: "Class C0". The histidine amino acid residue is found in multiple mammalian species, suggesting that this missense change does not adversely affect protein function. These predictions have not been confirmed by published functional studies and their clinical significance is uncertain. In summary, the available evidence is currently insufficient to determine the role of this variant in disease. Therefore, it has been classified as a Variant of Uncertain Significance.

NM_000065.5(C6):c.11G>A (p.Arg4His)

Gene: C6 (complement C6; minus strand). Cytogenetic location: 5p13.1.
Variant type: single nucleotide variant.
Coding change: c.11G>A on transcript NM_000065.5 (MANE Select); coding-DNA position 11, G replaced by A.
Protein change: p.Arg4His; replaces arginine 4 with histidine.
Molecular consequence: missense variant.
Genome position (GRCh38, 1-based): chr5:41,203,220, C>T on the plus strand (G>A on the coding strand, the complement: C6 is on the minus strand). VCF-style: chr5-41203220-C-T. GRCh37 (hg19) VCF-style: chr5-41203322-C-T.
Other names: c.11G>A, p.Arg4His (NM_001115131.4); short protein forms R4H.
Identifiers: ClinVar variation 1380337 (VCV001380337.6), dbSNP rs146127832, ClinGen allele CA3252914.